The following is an entry in ClinVar:

ClinVar aggregate classification (germline): Conflicting classifications of pathogenicity. Review status: criteria provided, conflicting classifications (1 of 4 stars). 2 submissions from 2 submitters: Uncertain significance (1); Benign (1). Last evaluated 2025-11-10.

Conditions:
Long QT syndrome 1 (LQT1). Identifiers: Orphanet 101016, Orphanet 768, MedGen C4551647, MONDO:0100316, OMIM 192500, MONDO:0008646.
Cardiovascular phenotype. Identifiers: MedGen CN230736.

gnomAD v4.1: 16 of 1,556,532 alleles (0.001%); highest among the groups gnomAD compares: South Asian, 0.0046%; no homozygotes.

Submissions (2):

Ambry Genetics
Classification: Benign for Cardiovascular phenotype. Last evaluated: 2025-11-10. Review status: criteria provided, single submitter. Criteria: Ambry Variant Classification Scheme 2023. Collection method: clinical testing. Allele origin: germline.

Labcorp Genetics (formerly Invitae), Labcorp
Classification: Uncertain significance for Long QT syndrome 1. Last evaluated: 2025-04-28. Review status: criteria provided, single submitter. Criteria: Invitae Variant Classification Sherloc (09022015). Collection method: clinical testing. Allele origin: germline.
Comment: This sequence change falls in intron 4 of the CALM2 gene. It does not directly change the encoded amino acid sequence of the CALM2 protein. It affects a nucleotide within the consensus splice site. This variant is present in population databases (rs368515390, gnomAD 0.008%). This variant has not been reported in the literature in individuals affected with CALM2-related conditions. Variants that disrupt the consensus splice site are a relatively common cause of aberrant splicing (PMID: 17576681, 9536098). Algorithms developed to predict the effect of sequence changes on RNA splicing suggest that this variant is not likely to affect RNA splicing. In summary, the available evidence is currently insufficient to determine the role of this variant in disease. Therefore, it has been classified as a Variant of Uncertain Significance.

Literature cited by the submitters: PubMed 17576681 (cited by Labcorp Genetics (formerly Invitae), Labcorp); PubMed 9536098 (cited by Labcorp Genetics (formerly Invitae), Labcorp).

NM_001743.6(CALM2):c.285+4C>T

Gene: CALM2 (calmodulin 2; minus strand). Cytogenetic location: 2p21.
Variant type: single nucleotide variant.
Coding change: c.285+4C>T on transcript NM_001743.6 (MANE Select); 4 bases into the intron after coding-DNA position 285, C replaced by T.
Molecular consequence: intron variant.
Genome position (GRCh38, 1-based): chr2:47,162,282, G>A on the plus strand (C>T on the coding strand, the complement: CALM2 is on the minus strand). VCF-style: chr2-47162282-G-A. GRCh37 (hg19) VCF-style: chr2-47389421-G-A.
Other names: c.429+4C>T (NM_001305624.1); c.177+4C>T (NM_001305626.1, NM_001305625.2).
Identifiers: ClinVar variation 4613795 (VCV004613795.2).